The following is an entry in ClinVar:

NM_000426.4(LAMA2):c.2565del (p.Ser856fs)

Gene: LAMA2 (laminin subunit alpha 2; plus strand). Cytogenetic location: 6q22.33.
Variant type: Deletion.
Coding change: c.2565del on transcript NM_000426.4 (MANE Select); coding-DNA position 2565, one base deleted (C; older notation c.2565delC).
Protein change: p.Ser856fs; shifts the reading frame from serine 856.
Molecular consequence: frameshift variant.
Genome position (GRCh38, 1-based): chr6:129,287,874, C deleted; the last of 3 consecutive C bases (chr6:129,287,872-129,287,874); deleting any one gives the same sequence. VCF-style (leftmost placement, unchanged base first): chr6-129287871-AC-A. GRCh37 (hg19) VCF-style: chr6-129609016-AC-A.
Other names: c.2565del, p.Ser856fs (NM_001079823.2); short protein forms S856fs.
Identifiers: ClinVar variation 1456004 (VCV001456004.8), dbSNP rs2114420319, ClinGen allele CA2573140451.

ClinVar aggregate classification (germline): Pathogenic (1 of 4 stars; one submission).

Conditions:
LAMA2-related muscular dystrophy (LAMA2-RD). Also called: Laminin alpha 2-related dystrophy. Identifiers: MedGen C5679788, MONDO:0100228.

Submission:

Labcorp Genetics (formerly Invitae), Labcorp
Classification: Pathogenic for LAMA2-related muscular dystrophy. Last evaluated: 2023-12-13. Review status: criteria provided, single submitter. Criteria: Invitae Variant Classification Sherloc (09022015). Collection method: clinical testing. Allele origin: germline.
Comment: This sequence change creates a premature translational stop signal (p.Ser856Leufs*32) in the LAMA2 gene. It is expected to result in an absent or disrupted protein product. Loss-of-function variants in LAMA2 are known to be pathogenic (PMID: 18700894, 32904964). This variant is not present in population databases (gnomAD no frequency). This premature translational stop signal has been observed in individual(s) with LAMA2-related muscular dystrophy (PMID: 24611677). ClinVar contains an entry for this variant (Variation ID: 1456004). For these reasons, this variant has been classified as Pathogenic.

Literature cited by the submitters: PubMed 18700894; PubMed 32904964; PubMed 24611677.